The following is an entry in ClinVar:

ClinVar aggregate classification (germline): Uncertain significance. Review status: criteria provided, multiple submitters, no conflicts (2 of 4 stars). 2 submissions from 2 submitters: Uncertain significance (2). Last evaluated 2025-04-17.

Conditions:
Hereditary pancreatitis (PCTT). Also called: Hereditary chronic pancreatitis; PRSS1-Related Hereditary Pancreatitis. Identifiers: Orphanet 676, MedGen C0238339, MONDO:0008185, OMIM 167800.

Allele frequency attached by ClinVar (database versions not stated): ExAC 0.00001; gnomAD exomes 0.00001; TOPMed 0.00002; gnomAD 0.00003; ESP Exome Variant Server 0.00008.
gnomAD v4.1: 7 of 1,614,030 alleles (0.00043%); highest among the groups gnomAD compares: African/African-American, 0.008%; no homozygotes.

Submissions (2):

Labcorp Genetics (formerly Invitae), Labcorp
Classification: Uncertain significance for Hereditary pancreatitis. Last evaluated: 2025-04-17. Review status: criteria provided, single submitter. Criteria: Invitae Variant Classification Sherloc (09022015). Collection method: clinical testing. Allele origin: germline.
Comment: This sequence change falls in intron 3 of the PRSS1 gene. It does not directly change the encoded amino acid sequence of the PRSS1 protein. It affects a nucleotide within the consensus splice site. The frequency data for this variant in the population databases is considered unreliable, as metrics indicate poor data quality at this position in the gnomAD database. This variant has not been reported in the literature in individuals affected with PRSS1-related conditions. ClinVar contains an entry for this variant (Variation ID: 2497459). Variants that disrupt the consensus splice site are a relatively common cause of aberrant splicing (PMID: 17576681, 9536098). Algorithms developed to predict the effect of sequence changes on RNA splicing suggest that this variant is not likely to affect RNA splicing. In summary, the available evidence is currently insufficient to determine the role of this variant in disease. Therefore, it has been classified as a Variant of Uncertain Significance.

Ambry Genetics
Classification: Uncertain significance for Hereditary pancreatitis. Last evaluated: 2023-02-24. Review status: criteria provided, single submitter. Criteria: Ambry Variant Classification Scheme 2023. Collection method: clinical testing. Allele origin: germline.
Comment: The c.454+3G>A intronic variant results from a G to A substitution 3 nucleotides after coding exon 3 in the PRSS1 gene. This nucleotide position is well conserved in available vertebrate species. In silico splice site analysis predicts that this alteration will not have any significant effect on splicing. Since supporting evidence is limited at this time, the clinical significance of this alteration remains unclear.

Literature cited by the submitters: PubMed 17576681 (cited by Labcorp Genetics (formerly Invitae), Labcorp); PubMed 9536098 (cited by Labcorp Genetics (formerly Invitae), Labcorp).

NM_002769.5(PRSS1):c.454+3G>A

Genes: PRSS1 (serine protease 1; plus strand), TRB (T cell receptor beta locus; plus strand). Cytogenetic location: 7q34.
Variant type: single nucleotide variant.
Coding change: c.454+3G>A on transcript NM_002769.5 (MANE Select); 3 bases into the intron after coding-DNA position 454, G replaced by A.
Molecular consequence: intron variant.
Genome position (GRCh38, 1-based): chr7:142,752,030, G>A. VCF-style: chr7-142752030-G-A. GRCh37 (hg19) VCF-style: chr7-142459881-G-A.
Identifiers: ClinVar variation 2497459 (VCV002497459.3), dbSNP rs375996400, ClinGen allele CA4529977.